The following is an entry in ClinVar:

NM_015559.3(SETBP1):c.4640C>G (p.Thr1547Ser)

Gene: SETBP1 (SET binding protein 1; plus strand). Cytogenetic location: 18q12.3.
Variant type: single nucleotide variant.
Coding change: c.4640C>G on transcript NM_015559.3 (MANE Select); coding-DNA position 4640, C replaced by G.
Protein change: p.Thr1547Ser; replaces threonine 1547 with serine.
Molecular consequence: missense variant.
Genome position (GRCh38, 1-based): chr18:45,063,547, C>G. VCF-style: chr18-45063547-C-G. GRCh37 (hg19) VCF-style: chr18-42643512-C-G.
Other names: c.4640C>G, p.Thr1547Ser (NM_001379141.1, NM_001379142.1); short protein forms T1547S.
Identifiers: ClinVar variation 1424514 (VCV001424514.8), dbSNP rs201973930, ClinGen allele CA402483834.

ClinVar aggregate classification (germline): Uncertain significance (1 of 4 stars; one submission).

gnomAD v4.1: 1 of 1,368,900 alleles (0.000073%); highest among the groups gnomAD compares: Non-Finnish European, 0.000097%; no homozygotes.

Submission:

Labcorp Genetics (formerly Invitae), Labcorp
Classification: Uncertain significance. Last evaluated: 2023-03-08. Review status: criteria provided, single submitter. Criteria: Invitae Variant Classification Sherloc (09022015). Collection method: clinical testing. Allele origin: germline.
Comment: This variant is not present in population databases (gnomAD no frequency). This sequence change replaces threonine, which is neutral and polar, with serine, which is neutral and polar, at codon 1547 of the SETBP1 protein (p.Thr1547Ser). In summary, the available evidence is currently insufficient to determine the role of this variant in disease. Therefore, it has been classified as a Variant of Uncertain Significance. Advanced modeling of protein sequence and biophysical properties (such as structural, functional, and spatial information, amino acid conservation, physicochemical variation, residue mobility, and thermodynamic stability) performed at Invitae indicates that this missense variant is not expected to disrupt SETBP1 protein function. ClinVar contains an entry for this variant (Variation ID: 1424514). This variant has not been reported in the literature in individuals affected with SETBP1-related conditions.